The following is an entry in ClinVar:

ClinVar aggregate classification (germline): Uncertain significance. Review status: criteria provided, multiple submitters, no conflicts (2 of 4 stars). 2 submissions from 2 submitters: Uncertain significance (2). Last evaluated 2025-10-15.

Conditions:
DICER1-related tumor predisposition. Also called: DICER1 syndrome; DICER1-related pleuropulmonary blastoma cancer predisposition syndrome. Identifiers: Orphanet 284343, MedGen C3839822, MONDO:0100216.
Hereditary cancer-predisposing syndrome. Also called: Tumor predisposition; Hereditary neoplastic syndrome; Neoplastic Syndromes, Hereditary; Hereditary Cancer Syndrome. Identifiers: Orphanet 140162, MedGen C0027672, MeSH D009386, MONDO:0015356.

Allele frequency attached by ClinVar (database versions not stated): gnomAD exomes below 0.00001.
gnomAD v4.1: 2 of 1,613,412 alleles (0.00012%); highest among the groups gnomAD compares: Non-Finnish European, 0.00017%; no homozygotes.

Submissions (2):

Labcorp Genetics (formerly Invitae), Labcorp
Classification: Uncertain significance for DICER1-related tumor predisposition. Last evaluated: 2025-10-15. Review status: criteria provided, single submitter. Criteria: Invitae Variant Classification Sherloc (09022015). Collection method: clinical testing. Allele origin: germline.
Comment: This sequence change replaces asparagine, which is neutral and polar, with lysine, which is basic and polar, at codon 1388 of the DICER1 protein (p.Asn1388Lys). This variant is not present in population databases (gnomAD no frequency). This variant has not been reported in the literature in individuals affected with DICER1-related conditions. ClinVar contains an entry for this variant (Variation ID: 941000). Invitae Evidence Modeling of protein sequence and biophysical properties (such as structural, functional, and spatial information, amino acid conservation, physicochemical variation, residue mobility, and thermodynamic stability) indicates that this missense variant is not expected to disrupt DICER1 protein function with a negative predictive value of 95%. In summary, the available evidence is currently insufficient to determine the role of this variant in disease. Therefore, it has been classified as a Variant of Uncertain Significance.

Ambry Genetics
Classification: Uncertain significance for Hereditary cancer-predisposing syndrome. Last evaluated: 2025-05-15. Review status: criteria provided, single submitter. Criteria: Ambry Variant Classification Scheme 2023. Collection method: clinical testing. Allele origin: germline.
Comment: The p.N1388K variant (also known as c.4164T>A), located in coding exon 21 of the DICER1 gene, results from a T to A substitution at nucleotide position 4164. The asparagine at codon 1388 is replaced by lysine, an amino acid with similar properties. This amino acid position is highly conserved in available vertebrate species. In addition, this alteration is predicted to be tolerated by in silico analysis. Based on the available evidence, the clinical significance of this variant remains unclear.

NM_177438.3(DICER1):c.4164T>A (p.Asn1388Lys)

Gene: DICER1 (dicer 1, ribonuclease III; minus strand). Cytogenetic location: 14q32.13.
Variant type: single nucleotide variant.
Coding change: c.4164T>A on transcript NM_177438.3 (MANE Select); coding-DNA position 4164, T replaced by A.
Protein change: p.Asn1388Lys; replaces asparagine 1388 with lysine.
Molecular consequence: missense variant.
Genome position (GRCh38, 1-based): chr14:95,099,822, A>T on the plus strand (T>A on the coding strand, the complement: DICER1 is on the minus strand). VCF-style: chr14-95099822-A-T. GRCh37 (hg19) VCF-style: chr14-95566159-A-T.
Other names: c.4164T>A, p.Asn1388Lys (NM_001195573.1, NM_001271282.3, NM_001291628.2 and 1 more transcripts); short protein forms N1388K.
Identifiers: ClinVar variation 941000 (VCV000941000.12), dbSNP rs1890715979, ClinGen allele CA390871867.